The following is an entry in ClinVar:

NM_020884.7(MYH7B):c.1227A>G (p.Val409=)

Gene: MYH7B (myosin heavy chain 7B; plus strand). Cytogenetic location: 20q11.22.
Variant type: single nucleotide variant.
Coding change: c.1227A>G on transcript NM_020884.7 (MANE Select); coding-DNA position 1227, A replaced by G.
Protein change: p.Val409=; no amino-acid change (valine 409 retained).
Molecular consequence: synonymous variant.
Genome position (GRCh38, 1-based): chr20:34,987,636, A>G. VCF-style: chr20-34987636-A-G. GRCh37 (hg19) VCF-style: chr20-33575439-A-G.
Other names: c.1353A>G (NM_020884.4).
Identifiers: ClinVar variation 1562891 (VCV001562891.9), dbSNP rs578226754, ClinGen allele CA9826862.

ClinVar aggregate classification (germline): Benign. Review status: criteria provided, multiple submitters, no conflicts (2 of 4 stars). 2 submissions from 2 submitters: Benign (2). Last evaluated 2026-08-27.

Conditions:
MYH7B-related disorder. Also called: MYH7B-related condition.

Allele frequency attached by ClinVar (database versions not stated): gnomAD 0.00001 and 0.00051; TOPMed 0.00013; gnomAD exomes 0.00063 and 0.00139; ExAC 0.00155; 1000 Genomes Project 30x 0.00265; 1000 Genomes Project 0.00319.
gnomAD v4.1: 1,010 of 1,614,038 alleles (0.063%); highest among the groups gnomAD compares: South Asian, 1%; 9 homozygotes.

Submissions (2):

PreventionGenetics, part of Exact Sciences
Classification: Benign for MYH7B-related condition. Last evaluated: 2026-08-27. Review status: criteria provided, single submitter. Criteria: ACMG Guidelines, 2015. Collection method: clinical testing. Allele origin: germline.
Comment: This variant is classified as benign based on ACMG/AMP sequence variant interpretation guidelines (Richards et al. 2015 PMID: 25741868, with internal and published modifications).

Labcorp Genetics (formerly Invitae), Labcorp
Classification: Benign. Last evaluated: 2026-01-20. Review status: criteria provided, single submitter. Criteria: Invitae Variant Classification Sherloc (09022015). Collection method: clinical testing. Allele origin: germline.